The following is an entry in ClinVar:

NM_001142800.2(EYS):c.454dup (p.Met152fs)

Gene: EYS (EGF-like photoreceptor maintenance factor; minus strand). Cytogenetic location: 6q12.
Variant type: Duplication.
Coding change: c.454dup on transcript NM_001142800.2 (MANE Select); coding-DNA position 454, one base duplicated (A; older notation c.454dupA).
Protein change: p.Met152fs; shifts the reading frame from methionine 152.
Molecular consequence: frameshift variant.
Genome position (GRCh38, 1-based): chr6:65,494,957, T duplicated on the plus strand (A on the coding strand, the reverse complement: EYS is on the minus strand). VCF-style (leftmost placement, unchanged base first): chr6-65494956-A-AT. GRCh37 (hg19) VCF-style: chr6-66204849-A-AT.
Other names: c.454dup, p.Met152fs (NM_001142801.2, NM_001292009.2, NM_198283.2); short protein forms M152fs.
Identifiers: ClinVar variation 1284396 (VCV001284396.13), dbSNP rs1766191833, ClinGen allele CA1634248903.

ClinVar aggregate classification (germline): Pathogenic. Review status: criteria provided, single submitter (1 of 4 stars). 4 submissions from 4 submitters: Pathogenic (1). 3 of the submissions do not count toward it. Last evaluated 2020-11-14.

Allele frequency attached by ClinVar (database versions not stated): TOPMed below 0.00001; gnomAD exomes 0.00001.

Submissions (4):

Labcorp Genetics (formerly Invitae), Labcorp
Classification: Pathogenic. Last evaluated: 2020-11-14. Review status: criteria provided, single submitter. Criteria: Invitae Variant Classification Sherloc (09022015). Collection method: clinical testing. Allele origin: germline.
Comment: For these reasons, this variant has been classified as Pathogenic. This sequence change creates a premature translational stop signal (p.Met152Asnfs*37) in the EYS gene. It is expected to result in an absent or disrupted protein product. Loss-of-function variants in EYS are known to be pathogenic (PMID: 18836446, 20333770). This variant is not present in population databases (ExAC no frequency). This variant has been observed in individual(s) with retinitis pigmentosa (PMID: 29159838).

Clinical Genetics DNA and cytogenetics Diagnostics Lab, Erasmus MC, Erasmus Medical Center
Classification: Pathogenic. Review status: no assertion criteria provided. Collection method: clinical testing. Allele origin: germline. Affected: yes. Study: VKGL Data-share Consensus. Not counted in ClinVar's aggregate classification.

Clinical Genetics, Academic Medical Center
Classification: Pathogenic. Review status: no assertion criteria provided. Collection method: clinical testing. Allele origin: germline. Affected: yes. Study: VKGL Data-share Consensus. Not counted in ClinVar's aggregate classification.

Joint Genome Diagnostic Labs from Nijmegen and Maastricht, Radboudumc and MUMC+
Classification: Pathogenic. Review status: no assertion criteria provided. Collection method: clinical testing. Allele origin: germline. Affected: yes. Study: VKGL Data-share Consensus. Not counted in ClinVar's aggregate classification.

Literature cited by the submitters: PubMed 18836446 (cited by Labcorp Genetics (formerly Invitae), Labcorp); PubMed 20333770 (cited by Labcorp Genetics (formerly Invitae), Labcorp); PubMed 29159838 (cited by Labcorp Genetics (formerly Invitae), Labcorp).